The following is an entry in ClinVar:

ClinVar aggregate classification (germline): Uncertain significance (1 of 4 stars; one submission).

Conditions:
POLD1-related polyposis and colorectal cancer syndrome (CRCS10). Also called: Colorectal cancer 10; COLORECTAL CANCER, SUSCEPTIBILITY TO, ON CHROMOSOME 19q; Colorectal cancer, susceptibility to, 10. Identifiers: Orphanet 220460, MedGen C2675481, MONDO:0012953, OMIM 612591.

Submission:

Labcorp Genetics (formerly Invitae), Labcorp
Classification: Uncertain significance for POLD1-related polyposis and colorectal cancer syndrome. Last evaluated: 2019-07-31. Review status: criteria provided, single submitter. Criteria: Invitae Variant Classification Sherloc (09022015). Collection method: clinical testing. Allele origin: germline.
Comment: Missense variants that disrupt the 3'-5' exonuclease (proof-reading) activity of the POLD1 protein, while not abolishing its polymerase enzyme activity, are associated with an increased risk for colonic adenomatous polyps and colon cancer (PMID: 23263490, 23447401). Loss-of-function variants, which result in an absent or severely disrupted POLD1 protein, are therefore unlikely to be associated with disease. Without further clinical and genetic evidence, however, this variant has been classified as a Variant of Uncertain Significance. This variant has not been reported in the literature in individuals with POLD1-related conditions. This variant is not present in population databases (ExAC no frequency). This sequence change creates a premature translational stop signal (p.Val187Argfs*65) in the POLD1 gene. It is expected to result in an absent or disrupted protein product.

Literature cited by the submitters: PubMed 23263490; PubMed 23447401.

NM_002691.4(POLD1):c.558dup (p.Val187fs)

Gene: POLD1 (DNA polymerase delta 1, catalytic subunit; plus strand). Cytogenetic location: 19q13.33.
Variant type: Duplication.
Coding change: c.558dup on transcript NM_002691.4 (MANE Select); coding-DNA position 558, one base duplicated (C; older notation c.558dupC).
Protein change: p.Val187fs; shifts the reading frame from valine 187.
Molecular consequence: frameshift variant. On other transcripts: non-coding transcript variant (1).
Genome position (GRCh38, 1-based): chr19:50,402,093, C duplicated; the last of 2 consecutive C bases (chr19:50,402,092-50,402,093); duplicating either gives the same sequence. VCF-style (leftmost placement, unchanged base first): chr19-50402091-G-GC. GRCh37 (hg19) VCF-style: chr19-50905348-G-GC.
Other names: c.558dup, p.Val187fs (NM_001256849.1, NM_001308632.1); short protein forms V187fs.
Identifiers: ClinVar variation 947206 (VCV000947206.9), dbSNP rs2038664834, ClinGen allele CA1139666551.